The following is an entry in ClinVar:

NM_024675.4(PALB2):c.1285_1286delinsTC (p.Ile429Ser)

Gene: PALB2 (partner and localizer of BRCA2; minus strand). Cytogenetic location: 16p12.2.
Variant type: Indel.
Coding change: c.1285_1286delinsTC on transcript NM_024675.4 (MANE Select); coding-DNA positions 1285 to 1286, AT replaced by TC.
Protein change: p.Ile429Ser; replaces isoleucine 429 with serine.
Molecular consequence: missense variant. On other transcripts: intron variant (3).
Genome position (GRCh38, 1-based): chr16:23,635,260-23,635,261, AT replaced by GA on the plus strand (AT replaced by TC on the coding strand, the reverse complement: PALB2 is on the minus strand). VCF-style: chr16-23635260-AT-GA. GRCh37 (hg19) VCF-style: chr16-23646581-AT-GA.
Other names: g.23646705delinsTC; c.1225_1226delinsTC, p.Ile409Ser (NM_001407296.1); c.1285_1286delinsTC, p.Ile429Ser (NM_001407297.1, NM_001407298.1, NM_001407299.1 and 3 more transcripts); c.400_401delinsTC, p.Ile134Ser (NM_001407304.1, NM_001407305.1, NM_001407306.1 and 5 more transcripts); c.48+5849_48+5850delinsTC (NM_001407314.1); c.-104-4792_-104-4791delinsTC (NM_001407313.1, NM_001407312.1); short protein forms I134S, I409S, I429S.
Identifiers: ClinVar variation 3906177 (VCV003906177.1).

ClinVar aggregate classification (germline): Pathogenic (0 of 4 stars; one submission).

Conditions:
Hereditary breast ovarian cancer syndrome. Also called: Breast and ovarian cancer; Hereditary breast and/or ovarian cancer syndrome; BRCA1- and BRCA2-Associated Hereditary Breast and Ovarian Cancer; Hereditary breast and ovarian cancer; Hereditary breast and ovarian cancer syndrome; Hereditary breast and ovarian cancer syndrome (HBOC). Identifiers: Orphanet 145, MedGen C0677776, MeSH D061325, MONDO:0003582. Disease mechanism: loss of function.

Submission:

Dipartimento Di Medicina Di Precisione, Università Degli Studi Della Campania Luigi Vanvitelli
Classification: Pathogenic for Hereditary breast ovarian cancer syndrome. Last evaluated: 2015-03-01. Review status: no assertion criteria provided. Collection method: clinical testing. Allele origin: germline. Inheritance: Autosomal dominant inheritance. Affected: yes. Observed: 1 heterozygote.
Comment: The c. This family showed multiple affected members of the same disease. This mutation. not previously described, was named c. 1285_1286delAinsTC(p.I429SfsX12). It was localized within exon 4 and consisted of an A deletion and TC insertion at position c. 1285_1286, which shifted the reading frame at the 429 codon and led to a premature termination 12 codon downstream, at codon 441

Literature cited by the submitters: PubMed 25529982.